The following is an entry in ClinVar:

NM_000443.4(ABCB4):c.1357-10T>C

Gene: ABCB4 (ATP binding cassette subfamily B member 4; minus strand). Cytogenetic location: 7q21.12.
Variant type: single nucleotide variant.
Coding change: c.1357-10T>C on transcript NM_000443.4 (MANE Select); 10 bases into the intron before coding-DNA position 1357, T replaced by C.
Molecular consequence: intron variant.
Genome position (GRCh38, 1-based): chr7:87,440,412, A>G on the plus strand (T>C on the coding strand, the complement: ABCB4 is on the minus strand). VCF-style: chr7-87440412-A-G. GRCh37 (hg19) VCF-style: chr7-87069728-A-G.
Other names: c.1357-10T>C (NM_000443.3, NM_018850.3, NM_018849.3).
Identifiers: ClinVar variation 2982077 (VCV002982077.5), dbSNP rs1401923021, ClinGen allele CA576267498.

ClinVar aggregate classification (germline): Likely benign. Review status: criteria provided, single submitter (1 of 4 stars). 2 submissions from 2 submitters: Likely benign (1). 1 of the submissions does not count toward it. Last evaluated 2023-04-13.

Conditions:
ABCB4-related disorder. Also called: ABCB4-related disorders; ABCB4-related condition.

Allele frequency attached by ClinVar (database versions not stated): gnomAD exomes below 0.00001; TOPMed below 0.00001; gnomAD 0.00001.
gnomAD v4.1: 4 of 1,611,032 alleles (0.00025%); highest among the groups gnomAD compares: Admixed American, 0.0067%; no homozygotes.

Submissions (2):

Labcorp Genetics (formerly Invitae), Labcorp
Classification: Likely benign. Last evaluated: 2023-04-13. Review status: criteria provided, single submitter. Criteria: Invitae Variant Classification Sherloc (09022015). Collection method: clinical testing. Allele origin: germline.

PreventionGenetics, part of Exact Sciences
Classification: Likely benign for ABCB4-related condition. Last evaluated: 2021-06-02. Review status: no assertion criteria provided. Collection method: clinical testing. Allele origin: germline. Not counted in ClinVar's aggregate classification.
Comment: This variant is classified as likely benign based on ACMG/AMP sequence variant interpretation guidelines (Richards et al. 2015 PMID: 25741868, with internal and published modifications).